The following is an entry in ClinVar:

ClinVar aggregate classification (germline): Uncertain significance. Review status: criteria provided, multiple submitters, no conflicts (2 of 4 stars). 2 submissions from 2 submitters: Uncertain significance (2). Last evaluated 2024-08-05.

Conditions:
Deficiency of butyryl-CoA dehydrogenase (ACADSD). Also called: ACADS DEFICIENCY; ACYL-CoA DEHYDROGENASE, SHORT-CHAIN, DEFICIENCY OF; SCAD DEFICIENCY, MILD; SCADH DEFICIENCY; SCAD Deficiency; Short-Chain Acyl-CoA Dehydrogenase Deficiency. Identifiers: Orphanet 26792, MedGen C0342783, MONDO:0008722, OMIM 201470. Disease mechanism: May be benign.

Allele frequency attached by ClinVar (database versions not stated): gnomAD 0.00001; gnomAD exomes 0.00001; ExAC 0.00002; TOPMed 0.00003; 1000 Genomes Project 0.00020; 1000 Genomes Project 30x 0.00031.
gnomAD v4.1: 10 of 1,613,040 alleles (0.00062%); highest among the groups gnomAD compares: African/African-American, 0.012%; no homozygotes.

Submissions (2):

Labcorp Genetics (formerly Invitae), Labcorp
Classification: Uncertain significance for Deficiency of butyryl-CoA dehydrogenase. Last evaluated: 2024-08-05. Review status: criteria provided, single submitter. Criteria: Invitae Variant Classification Sherloc (09022015). Collection method: clinical testing. Allele origin: germline.
Comment: This sequence change replaces serine, which is neutral and polar, with glycine, which is neutral and non-polar, at codon 360 of the ACADS protein (p.Ser360Gly). This variant is present in population databases (rs528266975, gnomAD 0.02%). This variant has not been reported in the literature in individuals affected with ACADS-related conditions. ClinVar contains an entry for this variant (Variation ID: 1006399). Advanced modeling of protein sequence and biophysical properties (such as structural, functional, and spatial information, amino acid conservation, physicochemical variation, residue mobility, and thermodynamic stability) performed at Invitae indicates that this missense variant is expected to disrupt ACADS protein function with a positive predictive value of 95%. In summary, the available evidence is currently insufficient to determine the role of this variant in disease. Therefore, it has been classified as a Variant of Uncertain Significance.

New York Genome Center
Classification: Uncertain significance for Deficiency of butyryl-CoA dehydrogenase. Last evaluated: 2023-11-03. Review status: criteria provided, single submitter. Criteria: NYGC Assertion Criteria 2020. Collection method: clinical testing. Allele origin: inherited. Affected: yes. Observed: 1 variant allele, 1 compound heterozygote.
Comment: The c.1078A>G variant identified in the ACADS gene has not previously been reported in the literature nor deposited in ClinVar. The c.1078A>G variant is observed in 14 alelles (0.0024% MAF with 0 homozygotes) in population databases (gnomAD v2.1.1 and v3.1.2, TOPMed Freeze 8), this frequency is low enough to be consistent with a recessive carrier frequency. The c.1078A>G variant is located in exon 9 of this 10-exon gene and is predicted to replace a moderately conserved serine amino acid to glycine at position 360 of the encoded protein (p.(Ser360Gly)). In silico predictions are neither in favor of nor against a damaging effect for the p.(Ser360Gly) variant [REVEL = 0.561]; and there are no functional studies to support or refute these predictions. Based on the available evidence, this inherited heterozygous c.1078A>G p.(Ser360Gly) variant identified in ACADS is classified as a variant of uncertain significance.

NM_000017.4(ACADS):c.1078A>G (p.Ser360Gly)

Gene: ACADS (acyl-CoA dehydrogenase short chain; plus strand). Cytogenetic location: 12q24.31.
Variant type: single nucleotide variant.
Coding change: c.1078A>G on transcript NM_000017.4 (MANE Select); coding-DNA position 1078, A replaced by G.
Protein change: p.Ser360Gly; replaces serine 360 with glycine.
Molecular consequence: missense variant.
Genome position (GRCh38, 1-based): chr12:120,739,188, A>G. VCF-style: chr12-120739188-A-G. GRCh37 (hg19) VCF-style: chr12-121176991-A-G.
Other names: c.1066A>G, p.Ser356Gly (NM_001302554.2); short protein forms S356G, S360G.
Identifiers: ClinVar variation 1006399 (VCV001006399.9), dbSNP rs528266975, ClinGen allele CA6831203.